The following is an entry in ClinVar:

NM_152424.4(AMER1):c.2242T>A (p.Tyr748Asn)

Gene: AMER1 (APC membrane recruitment protein 1; minus strand). Cytogenetic location: Xq11.2.
Variant type: single nucleotide variant.
Coding change: c.2242T>A on transcript NM_152424.4 (MANE Select); coding-DNA position 2242, T replaced by A.
Protein change: p.Tyr748Asn; replaces tyrosine 748 with asparagine.
Molecular consequence: missense variant.
Genome position (GRCh38, 1-based): chrX:64,191,045, A>T on the plus strand (T>A on the coding strand, the complement: AMER1 is on the minus strand). VCF-style: chrX-64191045-A-T. GRCh37 (hg19) VCF-style: chrX-63410925-A-T.
Other names: short protein forms Y748N.
Identifiers: ClinVar variation 3360679 (VCV003360679.1).

ClinVar aggregate classification (germline): Uncertain significance (1 of 4 stars; one submission).

Submission:

GeneDx
Classification: Uncertain significance. Last evaluated: 2023-07-06. Review status: criteria provided, single submitter. Criteria: GeneDx Variant Classification Process June 2021. Collection method: clinical testing. Allele origin: germline. Affected: yes.
Comment: Not observed at significant frequency in large population cohorts (gnomAD); In silico analysis supports that this missense variant does not alter protein structure/function; Has not been previously published as pathogenic or benign to our knowledge